The following is an entry in ClinVar:

ClinVar aggregate classification (germline): Uncertain significance (0 of 4 stars; one submission).

Conditions:
CUL9-related disorder. Also called: CUL9-related condition.

Submission:

PreventionGenetics, part of Exact Sciences
Classification: Uncertain significance for CUL9-related condition. Last evaluated: 2024-08-15. Review status: no assertion criteria provided. Collection method: clinical testing. Allele origin: germline.
Comment: The CUL9 c.306A>G variant is not predicted to result in an amino acid change (p.=). This variant is predicted to alter splicing based on available splicing prediction software (SpliceAI, Jaganathan et al. 2019. PubMed ID: 30661751). However, the use of computer prediction software is not equivalent to functional evidence. To our knowledge, this variant has not been reported in the literature or in a large population database, indicating this variant is rare. At this time, the clinical significance of this variant is uncertain due to the absence of conclusive functional and genetic evidence.

NM_015089.4(CUL9):c.306A>G (p.Arg102=)

Gene: CUL9 (cullin 9; plus strand). Cytogenetic location: 6p21.1.
Variant type: single nucleotide variant.
Coding change: c.306A>G on transcript NM_015089.4 (MANE Select); coding-DNA position 306, A replaced by G.
Protein change: p.Arg102=; no amino-acid change (arginine 102 retained).
Molecular consequence: synonymous variant.
Genome position (GRCh38, 1-based): chr6:43,184,616, A>G. VCF-style: chr6-43184616-A-G. GRCh37 (hg19) VCF-style: chr6-43152354-A-G.
Identifiers: ClinVar variation 3353798 (VCV003353798.1).
Genomic context (GRCh38, chr6:43,184,616, plus strand): 5'-GCGGGCACTATCTAAGGGACTTCAGCACGAACCAGCTGGGGTTTCAGGAAGCTTTCCTCG[A>G]GATCCAGGAGGCCTGGATGAAGTGGCAATGGGAGAGATGGAGGCTGATGTTCAGGCGCTG-3'
Protein context (NP_055904.1, residues 92-112): EPAGVSGSFP[Arg102=]DPGGLDEVAM